The following is an entry in ClinVar:

NM_003738.5(PTCH2):c.1795A>G (p.Thr599Ala)

Gene: PTCH2 (patched 2; minus strand). Cytogenetic location: 1p34.1.
Variant type: single nucleotide variant.
Coding change: c.1795A>G on transcript NM_003738.5 (MANE Select); coding-DNA position 1795, A replaced by G.
Protein change: p.Thr599Ala; replaces threonine 599 with alanine.
Molecular consequence: missense variant.
Genome position (GRCh38, 1-based): chr1:44,828,106, T>C on the plus strand (A>G on the coding strand, the complement: PTCH2 is on the minus strand). VCF-style: chr1-44828106-T-C. GRCh37 (hg19) VCF-style: chr1-45293778-T-C.
Other names: c.1795A>G, p.Thr599Ala (NM_001166292.2); short protein forms T599A.
Identifiers: ClinVar variation 1902813 (VCV001902813.5), dbSNP rs772410114, ClinGen allele CA823163.

ClinVar aggregate classification (germline): Uncertain significance (1 of 4 stars; one submission).

Conditions:
Gorlin syndrome. Also called: Nevoid Basal Cell Carcinoma Syndrome; Basal cell nevus syndrome. Identifiers: Orphanet 377, MedGen C0004779, MONDO:0007187.

Allele frequency attached by ClinVar (database versions not stated): gnomAD exomes below 0.00001; ExAC 0.00001.
gnomAD v4.1: 3 of 1,614,094 alleles (0.00019%); highest among the groups gnomAD compares: Admixed American, 0.0017%; no homozygotes.

Submission:

Labcorp Genetics (formerly Invitae), Labcorp
Classification: Uncertain significance for Gorlin syndrome. Last evaluated: 2022-05-29. Review status: criteria provided, single submitter. Criteria: Invitae Variant Classification Sherloc (09022015). Collection method: clinical testing. Allele origin: germline.
Comment: This sequence change replaces threonine, which is neutral and polar, with alanine, which is neutral and non-polar, at codon 599 of the PTCH2 protein (p.Thr599Ala). This variant is present in population databases (rs772410114, gnomAD 0.003%). This variant has not been reported in the literature in individuals affected with PTCH2-related conditions. Algorithms developed to predict the effect of missense changes on protein structure and function (SIFT, PolyPhen-2, Align-GVGD) all suggest that this variant is likely to be tolerated. In summary, the available evidence is currently insufficient to determine the role of this variant in disease. Therefore, it has been classified as a Variant of Uncertain Significance.